The following is an entry in ClinVar:

NM_001376.5(DYNC1H1):c.544G>T (p.Val182Phe)

Gene: DYNC1H1 (dynein cytoplasmic 1 heavy chain 1; plus strand). Cytogenetic location: 14q32.31.
Variant type: single nucleotide variant.
Coding change: c.544G>T on transcript NM_001376.5 (MANE Select); coding-DNA position 544, G replaced by T.
Protein change: p.Val182Phe; replaces valine 182 with phenylalanine.
Molecular consequence: missense variant.
Genome position (GRCh38, 1-based): chr14:101,979,744, G>T. VCF-style: chr14-101979744-G-T. GRCh37 (hg19) VCF-style: chr14-102446081-G-T.
Other names: short protein forms V182F.
Identifiers: ClinVar variation 2002858 (VCV002002858.4), dbSNP rs2503679071, ClinGen allele CA391008100.

ClinVar aggregate classification (germline): Uncertain significance (1 of 4 stars; one submission).

Conditions:
Charcot-Marie-Tooth disease axonal type 2O. Also called: CHARCOT-MARIE-TOOTH NEUROPATHY, AXONAL, TYPE 2O; CHARCOT-MARIE-TOOTH DISEASE, AXONAL, AUTOSOMAL DOMINANT, TYPE 2O; Charcot-Marie-Tooth Neuropathy Type 2O; Charcot-Marie-Tooth disease, axonal, type 20. Identifiers: Orphanet 284232, MedGen C3280220, MONDO:0013644, OMIM 614228.

Submission:

Labcorp Genetics (formerly Invitae), Labcorp
Classification: Uncertain significance for Charcot-Marie-Tooth disease axonal type 2O. Last evaluated: 2022-06-08. Review status: criteria provided, single submitter. Criteria: Invitae Variant Classification Sherloc (09022015). Collection method: clinical testing. Allele origin: germline.
Comment: In summary, the available evidence is currently insufficient to determine the role of this variant in disease. Therefore, it has been classified as a Variant of Uncertain Significance. Algorithms developed to predict the effect of missense changes on protein structure and function are either unavailable or do not agree on the potential impact of this missense change (SIFT: "Deleterious"; PolyPhen-2: "Possibly Damaging"; Align-GVGD: "Class C0"). This variant has not been reported in the literature in individuals affected with DYNC1H1-related conditions. This variant is not present in population databases (gnomAD no frequency). This sequence change replaces valine, which is neutral and non-polar, with phenylalanine, which is neutral and non-polar, at codon 182 of the DYNC1H1 protein (p.Val182Phe).